The following is an entry in ClinVar:

ClinVar aggregate classification (germline): Uncertain significance (1 of 4 stars; one submission).

Submission:

Women's Health and Genetics/Laboratory Corporation of America, LabCorp
Classification: Uncertain significance. Last evaluated: 2022-03-09. Review status: criteria provided, single submitter. Criteria: LabCorp Variant Classification Summary - May 2015. Collection method: clinical testing. Allele origin: germline.
Comment: Variant summary: GALT c.-839_-837delTTT is located in the untranscribed region upstream of the GALT gene region. The variant was absent in 19482 control chromosomes. The available data on variant occurrences in the general population are insufficient to allow any conclusion about variant significance. To our knowledge, no occurrence of c.-839_-837delTTT in individuals affected with Galactosemia and no experimental evidence demonstrating its impact on protein function have been reported. No clinical diagnostic laboratories have submitted clinical-significance assessments for this variant to ClinVar after 2014. Based on the evidence outlined above, the variant was classified as uncertain significance.

NM_000155.3(GALT):c.-839_-837delTTT

Gene: GALT (galactose-1-phosphate uridylyltransferase; plus strand). Cytogenetic location: 9p13.3.
Variant type: Deletion.
Coding change: c.-839_-837delTTT on transcript NM_000155.3; 839 bases upstream of the start codon through 837 bases upstream of the start codon, 3 bases deleted (TTT).
Genome position (GRCh38, 1-based): chr9:34,645,866-34,645,868, TTT deleted; deleting any 3 consecutive bases within chr9:34,645,849-34,645,868 gives the same sequence; the c. name uses the placement nearest the transcript's 3' end. VCF-style (leftmost placement, unchanged base first): chr9-34645848-ATTT-A. GRCh37 (hg19) VCF-style: chr9-34645845-ATTT-A.
Identifiers: ClinVar variation 1677053 (VCV001677053.3), dbSNP rs549043849, ClinGen allele CA863493349.